The following is an entry in ClinVar:

ClinVar aggregate classification (germline): Uncertain significance (1 of 4 stars; one submission).

Conditions:
Congenital contractural arachnodactyly (CCA). Also called: BEALS SYNDROME; Beals-Hecht syndrome; Arthrogryposis, distal, type 9. Identifiers: Orphanet 115, MedGen C0220668, MONDO:0007363, OMIM 121050.

Allele frequency attached by ClinVar (database versions not stated): gnomAD exomes below 0.00001.
gnomAD v4.1: 1 of 1,614,184 alleles (0.000062%); highest among the groups gnomAD compares: Non-Finnish European, 0.000085%; no homozygotes.

Submission:

Labcorp Genetics (formerly Invitae), Labcorp
Classification: Uncertain significance for Congenital contractural arachnodactyly. Last evaluated: 2023-12-20. Review status: criteria provided, single submitter. Criteria: Invitae Variant Classification Sherloc (09022015). Collection method: clinical testing. Allele origin: germline.
Comment: This sequence change replaces glycine, which is neutral and non-polar, with aspartic acid, which is acidic and polar, at codon 2414 of the FBN2 protein (p.Gly2414Asp). This variant is not present in population databases (gnomAD no frequency). This variant has not been reported in the literature in individuals affected with FBN2-related conditions. Advanced modeling of protein sequence and biophysical properties (such as structural, functional, and spatial information, amino acid conservation, physicochemical variation, residue mobility, and thermodynamic stability) has been performed at Invitae for this missense variant, however the output from this modeling did not meet the statistical confidence thresholds required to predict the impact of this variant on FBN2 protein function. In summary, the available evidence is currently insufficient to determine the role of this variant in disease. Therefore, it has been classified as a Variant of Uncertain Significance.

NM_001999.4(FBN2):c.7241G>A (p.Gly2414Asp)

Gene: FBN2 (fibrillin 2; minus strand). Cytogenetic location: 5q23.3.
Variant type: single nucleotide variant.
Coding change: c.7241G>A on transcript NM_001999.4 (MANE Select); coding-DNA position 7241, G replaced by A.
Protein change: p.Gly2414Asp; replaces glycine 2414 with aspartic acid.
Molecular consequence: missense variant.
Genome position (GRCh38, 1-based): chr5:128,278,739, C>T on the plus strand (G>A on the coding strand, the complement: FBN2 is on the minus strand). VCF-style: chr5-128278739-C-T. GRCh37 (hg19) VCF-style: chr5-127614431-C-T.
Other names: short protein forms G2414D.
Identifiers: ClinVar variation 2900251 (VCV002900251.3), dbSNP rs2126809569, ClinGen allele CA360756422.
Genomic context (GRCh38, chr5:128,278,739, plus strand): 5'-TTGTACTGGGCAGTTCCAGGAAGTGGGCAAAGCTCGCACTGGTGGCCCCAGCCTCGCCCA[C>T]CATCACAGCAGCATTCTGACTTAGTGACGAGATTGCGACTACTGGATGCCATTTGACATA-3'
Protein context (NP_001990.2, residues 2404-2424): LVTKSECCCD[Gly2414Asp]GRGWGHQCEL